The following is an entry in ClinVar:

NM_007215.4(POLG2):c.505_506delinsAG (p.Ala169Arg)

Genes: MILR1 (mast cell immunoglobulin like receptor 1; plus strand), POLG2 (DNA polymerase gamma 2, accessory subunit; minus strand). Cytogenetic location: 17q23.3.
Variant type: Indel.
Coding change: c.505_506delinsAG on transcript NM_007215.4 (MANE Select); coding-DNA positions 505 to 506, GC replaced by AG.
Protein change: p.Ala169Arg; replaces alanine 169 with arginine.
Molecular consequence: missense variant.
Genome position (GRCh38, 1-based): chr17:64,496,463-64,496,464, GC replaced by CT on the plus strand (GC replaced by AG on the coding strand, the reverse complement: POLG2 is on the minus strand). VCF-style: chr17-64496463-GC-CT. GRCh37 (hg19) VCF-style: chr17-62492581-GC-CT.
Other names: short protein forms A169R.
Identifiers: ClinVar variation 4704382 (VCV004704382.1).

ClinVar aggregate classification (germline): Uncertain significance (1 of 4 stars; one submission).

Submission:

Labcorp Genetics (formerly Invitae), Labcorp
Classification: Uncertain significance. Last evaluated: 2025-09-09. Review status: criteria provided, single submitter. Criteria: Invitae Variant Classification Sherloc (09022015). Collection method: clinical testing. Allele origin: germline.
Comment: This sequence change replaces alanine, which is neutral and non-polar, with arginine, which is basic and polar, at codon 169 of the POLG2 protein (p.Ala169Arg). Information on the frequency of this variant in the gnomAD database is not available, as this variant may be reported differently in the database. This variant has not been reported in the literature in individuals affected with POLG2-related conditions. An algorithm developed to predict the effect of missense changes on protein structure and function (PolyPhen-2) suggests that this variant is likely to be disruptive. In summary, the available evidence is currently insufficient to determine the role of this variant in disease. Therefore, it has been classified as a Variant of Uncertain Significance.